The following is an entry in ClinVar:

NM_206933.4(USH2A):c.2375G>A (p.Cys792Tyr)

Genes: USH2A (usherin; minus strand), LOC122152296 (Sharpr-MPRA regulatory region 8762; plus strand). Cytogenetic location: 1q41.
Variant type: single nucleotide variant.
Coding change: c.2375G>A on transcript NM_206933.4 (MANE Select); coding-DNA position 2375, G replaced by A.
Protein change: p.Cys792Tyr; replaces cysteine 792 with tyrosine.
Molecular consequence: missense variant.
Genome position (GRCh38, 1-based): chr1:216,247,019, C>T on the plus strand (G>A on the coding strand, the complement: USH2A is on the minus strand). VCF-style: chr1-216247019-C-T. GRCh37 (hg19) VCF-style: chr1-216420361-C-T.
Other names: c.2375G>A, p.Cys792Tyr (NM_007123.6); short protein forms C792Y.
Identifiers: ClinVar variation 1390049 (VCV001390049.3), dbSNP rs759186102, ClinGen allele CA344864933.

ClinVar aggregate classification (germline): Uncertain significance (1 of 4 stars; one submission).

gnomAD v4.1: 4 of 1,614,052 alleles (0.00025%); highest among the groups gnomAD compares: Non-Finnish European, 0.00034%; no homozygotes.

Submission:

Labcorp Genetics (formerly Invitae), Labcorp
Classification: Uncertain significance. Last evaluated: 2022-08-23. Review status: criteria provided, single submitter. Criteria: Invitae Variant Classification Sherloc (09022015). Collection method: clinical testing. Allele origin: germline.
Comment: This sequence change replaces cysteine, which is neutral and slightly polar, with tyrosine, which is neutral and polar, at codon 792 of the USH2A protein (p.Cys792Tyr). This variant is not present in population databases (gnomAD no frequency). This variant has not been reported in the literature in individuals affected with USH2A-related conditions. ClinVar contains an entry for this variant (Variation ID: 1390049). Algorithms developed to predict the effect of missense changes on protein structure and function (SIFT, PolyPhen-2, Align-GVGD) all suggest that this variant is likely to be disruptive. In summary, the available evidence is currently insufficient to determine the role of this variant in disease. Therefore, it has been classified as a Variant of Uncertain Significance.